The following is an entry in ClinVar:

NM_001008212.2(OPTN):c.375del (p.Thr126fs)

Gene: OPTN (optineurin; plus strand). Cytogenetic location: 10p13.
Variant type: Deletion.
Coding change: c.375del on transcript NM_001008212.2 (MANE Select); coding-DNA position 375, one base deleted (C; older notation c.375delC).
Protein change: p.Thr126fs; shifts the reading frame from threonine 126.
Molecular consequence: frameshift variant.
Genome position (GRCh38, 1-based): chr10:13,112,458, C deleted; the last of 4 consecutive C bases (chr10:13,112,455-13,112,458); deleting any one gives the same sequence. VCF-style (leftmost placement, unchanged base first): chr10-13112454-AC-A. GRCh37 (hg19) VCF-style: chr10-13154454-AC-A.
Other names: p.Thr126Leufs*23; c.375del, p.Thr126fs (NM_001008211.1, NM_001008213.1, NM_021980.4); short protein forms T126fs.
Identifiers: ClinVar variation 2682916 (VCV002682916.2), dbSNP rs2539041407, ClinGen allele CA2608281551.

ClinVar aggregate classification (germline): Likely pathogenic. Review status: criteria provided, multiple submitters, no conflicts (2 of 4 stars). 2 submissions from 2 submitters: Likely pathogenic (2). Last evaluated 2023-11-29.

Submissions (2):

Athena Diagnostics
Classification: Likely pathogenic. Last evaluated: 2023-11-29. Review status: criteria provided, single submitter. Criteria: Athena Diagnostics Criteria. Collection method: clinical testing. Allele origin: unknown.
Comment: This variant is expected to result in the loss of a functional protein. This variant has not been reported in large, multi-ethnic general populations.

Mayo Clinic Laboratories, Mayo Clinic
Classification: Likely pathogenic. Last evaluated: 2023-03-07. Review status: criteria provided, single submitter. Criteria: ACMG Guidelines, 2015. Collection method: clinical testing. Allele origin: germline. Observed: 1 variant allele.
Comment: PM2, PVS1